The following is an entry in ClinVar:

ClinVar aggregate classification (germline): Uncertain significance. Review status: criteria provided, multiple submitters, no conflicts (2 of 4 stars). 2 submissions from 2 submitters: Uncertain significance (2). Last evaluated 2022-12-12.

Conditions:
Early-infantile DEE. Also called: Early infantile epileptic encephalopathy; Early infantile epileptic encephalopathy with suppression bursts; Ohtahara syndrome. Identifiers: Orphanet 1934, MedGen C0393706, MONDO:0800491.

Allele frequency attached by ClinVar (database versions not stated): TOPMed below 0.00001; gnomAD exomes below 0.00001.
gnomAD v4.1: 5 of 1,613,150 alleles (0.00031%); highest among the groups gnomAD compares: Non-Finnish European, 0.00042%; no homozygotes.

Submissions (2):

Labcorp Genetics (formerly Invitae), Labcorp
Classification: Uncertain significance for Early-infantile DEE. Last evaluated: 2022-12-12. Review status: criteria provided, single submitter. Criteria: Invitae Variant Classification Sherloc (09022015). Collection method: clinical testing. Allele origin: germline.
Comment: Algorithms developed to predict the effect of sequence changes on RNA splicing suggest that this variant is not likely to affect RNA splicing. ClinVar contains an entry for this variant (Variation ID: 1326397). In summary, the available evidence is currently insufficient to determine the role of this variant in disease. Therefore, it has been classified as a Variant of Uncertain Significance. This variant has not been reported in the literature in individuals affected with SCN8A-related conditions. This variant is not present in population databases (gnomAD no frequency). This sequence change affects codon 92 of the SCN8A mRNA. It is a 'silent' change, meaning that it does not change the encoded amino acid sequence of the SCN8A protein. It affects a nucleotide within the consensus splice site.

GeneDx
Classification: Uncertain significance. Last evaluated: 2021-05-29. Review status: criteria provided, single submitter. Criteria: GeneDx Variant Classification Process June 2021. Collection method: clinical testing. Allele origin: germline. Affected: yes.
Comment: Has not been previously published as pathogenic or benign to our knowledge; Not observed at significant frequency in large population cohorts (Lek et al., 2016); In silico analysis supports that this variant does not alter splicing; This variant is associated with the following publications: (PMID: 27535533)

NM_001330260.2(SCN8A):c.276A>G (p.Lys92=)

Genes: SCN8A (sodium voltage-gated channel alpha subunit 8; plus strand), LOC114803470 (SCN8A eExon liver enhancer; plus strand). Cytogenetic location: 12q13.13.
Variant type: single nucleotide variant.
Coding change: c.276A>G on transcript NM_001330260.2 (MANE Select); coding-DNA position 276, A replaced by G.
Protein change: p.Lys92=; no amino-acid change (lysine 92 retained).
Molecular consequence: synonymous variant.
Genome position (GRCh38, 1-based): chr12:51,663,093, A>G. VCF-style: chr12-51663093-A-G. GRCh37 (hg19) VCF-style: chr12-52056877-A-G.
Other names: c.276A>G, p.Lys92= (NM_001177984.3, NM_001369788.1, NM_014191.4).
Identifiers: ClinVar variation 1326397 (VCV001326397.6), dbSNP rs940189587, ClinGen allele CA236255093.